The following is an entry in ClinVar:

NM_015057.5(MYCBP2):c.6067A>G (p.Ile2023Val)

Gene: MYCBP2 (MYC binding protein 2; minus strand). Cytogenetic location: 13q22.3.
Variant type: single nucleotide variant.
Coding change: c.6067A>G on transcript NM_015057.5 (MANE Select); coding-DNA position 6067, A replaced by G.
Protein change: p.Ile2023Val; replaces isoleucine 2023 with valine.
Molecular consequence: missense variant.
Genome position (GRCh38, 1-based): chr13:77,168,475, T>C on the plus strand (A>G on the coding strand, the complement: MYCBP2 is on the minus strand). VCF-style: chr13-77168475-T-C. GRCh37 (hg19) VCF-style: chr13-77742610-T-C.
Other names: short protein forms I2023V.
Identifiers: ClinVar variation 2643858 (VCV002643858.24), dbSNP rs1256260298, ClinGen allele CA388417270.

ClinVar aggregate classification (germline): Uncertain significance (1 of 4 stars; one submission).

Submission:

CeGaT Center for Human Genetics Tuebingen
Classification: Uncertain significance. Last evaluated: 2022-11-01. Review status: criteria provided, single submitter. Criteria: CeGaT Center For Human Genetics Tuebingen Variant Classification Criteria Version 2. Collection method: clinical testing. Allele origin: germline. Affected: yes. Observed: 1 variant allele.
Comment: MYCBP2: PM2, PP2